The following is an entry in ClinVar:

ClinVar aggregate classification (germline): Uncertain significance. Review status: criteria provided, multiple submitters, no conflicts (2 of 4 stars). 3 submissions from 3 submitters: Uncertain significance (3). Last evaluated 2025-07-28.

Conditions:
Cardiovascular phenotype. Identifiers: MedGen CN230736.
Alstrom syndrome (ALMS). Identifiers: Orphanet 64, MedGen C0268425, MONDO:0008763, OMIM 203800.

Submissions (3):

Women's Health and Genetics/Laboratory Corporation of America, LabCorp
Classification: Uncertain significance. Last evaluated: 2025-07-28. Review status: criteria provided, single submitter. Criteria: LabCorp Variant Classification Summary - May 2015. Collection method: clinical testing. Allele origin: germline.

Labcorp Genetics (formerly Invitae), Labcorp
Classification: Uncertain significance for Alstrom syndrome. Last evaluated: 2022-09-27. Review status: criteria provided, single submitter. Criteria: Invitae Variant Classification Sherloc (09022015). Collection method: clinical testing. Allele origin: germline.
Comment: In summary, the available evidence is currently insufficient to determine the role of this variant in disease. Therefore, it has been classified as a Variant of Uncertain Significance. Experimental studies and prediction algorithms are not available or were not evaluated, and the functional significance of this variant is currently unknown. This variant has not been reported in the literature in individuals affected with ALMS1-related conditions. This variant is not present in population databases (gnomAD no frequency). This sequence change replaces serine, which is neutral and polar, with leucine, which is neutral and non-polar, at codon 3803 of the ALMS1 protein (p.Ser3803Leu).

Ambry Genetics
Classification: Uncertain significance for Cardiovascular phenotype. Last evaluated: 2022-08-03. Review status: criteria provided, single submitter. Criteria: Ambry Variant Classification Scheme 2023. Collection method: clinical testing. Allele origin: germline.
Comment: The p.S3803L variant (also known as c.11408C>T), located in coding exon 16 of the ALMS1 gene, results from a C to T substitution at nucleotide position 11408. The serine at codon 3803 is replaced by leucine, an amino acid with dissimilar properties. This amino acid position is highly conserved in available vertebrate species. In addition, the in silico prediction for this alteration is inconclusive. Since supporting evidence is limited at this time, the clinical significance of this alteration remains unclear.

NM_001378454.1(ALMS1):c.11405C>T (p.Ser3802Leu)

Gene: ALMS1 (ALMS1 centrosome and basal body associated protein; plus strand). Cytogenetic location: 2p13.1.
Variant type: single nucleotide variant.
Coding change: c.11405C>T on transcript NM_001378454.1 (MANE Select); coding-DNA position 11405, C replaced by T.
Protein change: p.Ser3802Leu; replaces serine 3802 with leucine.
Molecular consequence: missense variant.
Genome position (GRCh38, 1-based): chr2:73,573,282, C>T. VCF-style: chr2-73573282-C-T. GRCh37 (hg19) VCF-style: chr2-73800409-C-T.
Other names: c.11408C>T, p.Ser3803Leu (NM_015120.4); short protein forms S3803L, S3802L.
Identifiers: ClinVar variation 1731028 (VCV001731028.7), dbSNP rs1388411085, ClinGen allele CA347289588.